The following is an entry in ClinVar:

ClinVar aggregate classification (germline): Uncertain significance (1 of 4 stars; one submission).

Conditions:
Hypertrophic cardiomyopathy. Also called: HYPERTROPHIC MYOCARDIOPATHY. Identifiers: Orphanet 217569, MedGen C0007194, MeSH D002312, MONDO:0005045, HP:0001639.

Submission:

Labcorp Genetics (formerly Invitae), Labcorp
Classification: Uncertain significance for Hypertrophic cardiomyopathy. Last evaluated: 2023-12-01. Review status: criteria provided, single submitter. Criteria: Invitae Variant Classification Sherloc (09022015). Collection method: clinical testing. Allele origin: germline.
Comment: This sequence change replaces aspartic acid, which is acidic and polar, with histidine, which is basic and polar, at codon 431 of the MYBPC3 protein (p.Asp431His). This variant is not present in population databases (gnomAD no frequency). This variant has not been reported in the literature in individuals affected with MYBPC3-related conditions. An algorithm developed to predict the effect of missense changes on protein structure and function (PolyPhen-2) suggests that this variant is likely to be disruptive. In summary, the available evidence is currently insufficient to determine the role of this variant in disease. Therefore, it has been classified as a Variant of Uncertain Significance.

NM_000256.3(MYBPC3):c.1291G>C (p.Asp431His)

Gene: MYBPC3 (myosin binding protein C3; minus strand). Cytogenetic location: 11p11.2.
Variant type: single nucleotide variant.
Coding change: c.1291G>C on transcript NM_000256.3 (MANE Select); coding-DNA position 1291, G replaced by C.
Protein change: p.Asp431His; replaces aspartic acid 431 with histidine.
Molecular consequence: missense variant.
Genome position (GRCh38, 1-based): chr11:47,343,081, C>G on the plus strand (G>C on the coding strand, the complement: MYBPC3 is on the minus strand). VCF-style: chr11-47343081-C-G. GRCh37 (hg19) VCF-style: chr11-47364632-C-G.
Other names: short protein forms D431H.
Identifiers: ClinVar variation 2699892 (VCV002699892.3), dbSNP rs753321277, ClinGen allele CA380327300.
Genomic context (GRCh38, chr11:47,343,081, plus strand): 5'-CTTTCACAAAGAGCTCCGTGCTACACTTCTCGCCACCCACCACGCACTGGTAGGCTGCGT[C>G]GTCCGCCAATGAGCACTGGCTGATGGTCAGGGTACGCTTGGCACCGATGGACTCAAAGAT-3'
Protein context (NP_000247.2, residues 421-441): LTISQCSLAD[Asp431His]AAYQCVVGGE